The following is an entry in ClinVar:

GRCh38/hg38 Xp22.33-22.2(chrX:10679-11240163)x1

Genes: AKAP17A (A-kinase anchoring protein 17A; plus strand), ANOS1 (anosmin 1; minus strand), ARHGAP6 (Rho GTPase activating protein 6; minus strand), ARSD (arylsulfatase D; minus strand), ARSD-AS1 (ARSD antisense RNA 1; plus strand) and 158 more. Cytogenetic location: Xp22.33-22.2.
Variant type: copy number loss.
Change: copy number 1 of chrX:10,679-11,240,163 (11.23 Mb, GRCh38 coordinates, 1-based), cytogenetic band Xp22.33-22.2.
Identifiers: ClinVar variation 57347 (VCV000057347.1).

ClinVar aggregate classification (germline): Pathogenic (1 of 4 stars; one submission).

Submission:

ISCA site 4
Classification: Pathogenic. Last evaluated: 2011-08-12. Review status: criteria provided, single submitter. Criteria: Kaminsky et al. (Genet Med. 2011). Collection method: clinical testing. Allele origin: unknown. Affected: yes. Observed: 1 variant allele.
Comment: Copy number variation identified through the course of routine clinical cytogenomic testing in postnatal populations. Clinical assertions have been curated as described in Kaminsky et al. 2011.